The following is an entry in ClinVar:

NM_021942.6(TRAPPC11):c.2032G>A (p.Val678Met)

Gene: TRAPPC11 (trafficking protein particle complex subunit 11; plus strand). Cytogenetic location: 4q35.1.
Variant type: single nucleotide variant.
Coding change: c.2032G>A on transcript NM_021942.6 (MANE Select); coding-DNA position 2032, G replaced by A.
Protein change: p.Val678Met; replaces valine 678 with methionine.
Molecular consequence: missense variant.
Genome position (GRCh38, 1-based): chr4:183,691,454, G>A. VCF-style: chr4-183691454-G-A. GRCh37 (hg19) VCF-style: chr4-184612607-G-A.
Other names: c.2032G>A, p.Val678Met (NM_199053.3); short protein forms V678M.
Identifiers: ClinVar variation 1311638 (VCV001311638.2), dbSNP rs2111060987, ClinGen allele CA358870673.

ClinVar aggregate classification (germline): Uncertain significance (1 of 4 stars; one submission).

Submission:

GeneDx
Classification: Uncertain significance. Last evaluated: 2020-01-06. Review status: criteria provided, single submitter. Criteria: GeneDx Variant Classification Process June 2021. Collection method: clinical testing. Allele origin: germline. Affected: yes.
Comment: Not observed in large population cohorts (Lek et al., 2016); In silico analysis, which includes protein predictors and evolutionary conservation, supports that this variant does not alter protein structure/function; Has not been previously published as pathogenic or benign to our knowledge